The following is an entry in ClinVar:

NC_012920.1(MT-CYB):m.14982T>C

Gene: MT-CYB (mitochondrially encoded cytochrome b; plus strand).
Variant type: single nucleotide variant.
Genome position: chrM-14982-T-C.
Identifiers: ClinVar variation 693804 (VCV000693804.1), dbSNP rs1603225002, ClinGen allele CA913172623.

ClinVar aggregate classification (germline): Uncertain significance (1 of 4 stars; one submission).

Conditions:
Leigh syndrome (NULS). Also called: Leigh's necrotizing encephalopathy; Leigh's disease; Leigh's syndrome; LEIGH SYNDROME, NUCLEAR; Leigh Syndrome (mtDNA deletion); Leigh Disease. Identifiers: Orphanet 506, MedGen C2931891, MONDO:0009723, OMIM 256000.

Submission:

Wong Mito Lab, Molecular and Human Genetics, Baylor College of Medicine
Classification: Uncertain significance for Leigh syndrome. Last evaluated: 2019-10-17. Review status: criteria provided, single submitter. Criteria: Modified ACMG Guidelines (Unpublished). Collection method: clinical testing. Allele origin: germline.
Comment: The NC_012920.1:m.14982T>C (YP_003024038.1:p.Ile79Thr) variant in MTCYB gene is interpretated to be a Uncertain Significance variant based on the modified ACMG guidelines (unpublished). This variant meets the following evidence codes: PM9, PP4, PP6